The following is an entry in ClinVar:

NM_022437.3(ABCG8):c.1386C>T (p.Asn462=)

Gene: ABCG8 (ATP binding cassette subfamily G member 8; plus strand). Cytogenetic location: 2p21.
Variant type: single nucleotide variant.
Coding change: c.1386C>T on transcript NM_022437.3 (MANE Select); coding-DNA position 1386, C replaced by T.
Protein change: p.Asn462=; no amino-acid change (asparagine 462 retained).
Molecular consequence: synonymous variant.
Genome position (GRCh38, 1-based): chr2:43,873,961, C>T. VCF-style: chr2-43873961-C-T. GRCh37 (hg19) VCF-style: chr2-44101100-C-T.
Other names: c.1383C>T, p.Asn461= (NM_001357321.2).
Identifiers: ClinVar variation 715758 (VCV000715758.58), dbSNP rs371163697, ClinGen allele CA1637418.

ClinVar aggregate classification (germline): Conflicting classifications of pathogenicity. Review status: criteria provided, conflicting classifications (1 of 4 stars). 8 submissions from 8 submitters: Uncertain significance (2); Likely benign (5). 1 of the submissions does not count toward it. Last evaluated 2026-03-01.

Conditions:
Sitosterolemia 1. Identifiers: MedGen C2749759, MONDO:0020747, OMIM 210250.
ABCG8-related disorder. Also called: ABCG8-related condition.
Cardiovascular phenotype. Identifiers: MedGen CN230736.

Allele frequency attached by ClinVar (database versions not stated): gnomAD 0.00008 and 0.00011; TOPMed 0.00011; ESP Exome Variant Server 0.00015; ExAC 0.00034; gnomAD exomes 0.00038; 1000 Genomes Project 0.00060; 1000 Genomes Project 30x 0.00062.
gnomAD v4.1: 351 of 1,614,090 alleles (0.022%); highest among the groups gnomAD compares: South Asian, 0.088%; 10 homozygotes.

Submissions (8):

CeGaT Center for Human Genetics Tuebingen
Classification: Likely benign. Last evaluated: 2026-03-01. Review status: criteria provided, single submitter. Criteria: CeGaT Center For Human Genetics Tuebingen Variant Classification Criteria Version 2. Collection method: clinical testing. Allele origin: germline. Affected: yes. Observed: 5 variant alleles.
Comment: ABCG8: BP4, BP7

Labcorp Genetics (formerly Invitae), Labcorp
Classification: Likely benign. Last evaluated: 2026-01-20. Review status: criteria provided, single submitter. Criteria: Invitae Variant Classification Sherloc (09022015). Collection method: clinical testing. Allele origin: germline.

Blueprint Genetics
Classification: Likely benign. Last evaluated: 2024-11-22. Review status: criteria provided, single submitter. Criteria: ACMG Guidelines, 2015. Collection method: clinical testing. Allele origin: germline.

Women's Health and Genetics/Laboratory Corporation of America, LabCorp
Classification: Likely benign. Last evaluated: 2024-07-27. Review status: criteria provided, single submitter. Criteria: LabCorp Variant Classification Summary - May 2015. Collection method: clinical testing. Allele origin: germline.

New York Genome Center
Classification: Uncertain significance for Sitosterolemia 1. Last evaluated: 2022-03-17. Review status: criteria provided, single submitter. Criteria: NYGC Assertion Criteria 2020. Collection method: clinical testing. Allele origin: germline. Observed: 1 heterozygote.
Comment: The c.1386C>T (p.Asn462=) variant identified in the ABCG8 gene is a synonymous variant that does not result in a change of amino acid at the moderately conserved p.Asn462 residue (exon 9/13). This variant is found in gnomAD(v2.1) (101 heterozygotes, 1 homozygote; allele frequency: 3.572e-4),and reported in ClinVar as both Likely Benign (n=1) and a Variant of Uncertain Significance (n=2) (VarID:715758). To our current knowledge, the c.1386C>T (p.Asn462=) variant has not been reported in affected individuals in the literature. Given the lack of compelling evidence for its pathogenicity, the c.1386C>T(p.Asn462=) variant identified in the ABCG8 gene is reported as Variant of Uncertain Significance.

Ambry Genetics
Classification: Likely benign for Cardiovascular phenotype. Last evaluated: 2019-10-26. Review status: criteria provided, single submitter. Criteria: Ambry Variant Classification Scheme 2023. Collection method: clinical testing. Allele origin: germline.

Illumina Laboratory Services, Illumina
Classification: Uncertain significance for Sitosterolemia 1. Last evaluated: 2018-01-13. Review status: criteria provided, single submitter. Criteria: ICSL Variant Classification Criteria 13 December 2019. Collection method: clinical testing. Allele origin: germline.

PreventionGenetics, part of Exact Sciences
Classification: Likely benign for ABCG8-related condition. Last evaluated: 2020-02-14. Review status: no assertion criteria provided. Collection method: clinical testing. Allele origin: germline. Not counted in ClinVar's aggregate classification.
Comment: This variant is classified as likely benign based on ACMG/AMP sequence variant interpretation guidelines (Richards et al. 2015 PMID: 25741868, with internal and published modifications).